The following is an entry in ClinVar:

NM_004974.4(KCNA2):c.1302C>G (p.Ser434Arg)

Gene: KCNA2 (potassium voltage-gated channel subfamily A member 2; minus strand). Cytogenetic location: 1p13.3.
Variant type: single nucleotide variant.
Coding change: c.1302C>G on transcript NM_004974.4 (MANE Select); coding-DNA position 1302, C replaced by G.
Protein change: p.Ser434Arg; replaces serine 434 with arginine.
Molecular consequence: missense variant. On other transcripts: intron variant (1).
Genome position (GRCh38, 1-based): chr1:110,603,481, G>C on the plus strand (C>G on the coding strand, the complement: KCNA2 is on the minus strand). VCF-style: chr1-110603481-G-C. GRCh37 (hg19) VCF-style: chr1-111146103-G-C.
Other names: c.894+408C>G (NM_001204269.2); short protein forms S434R.
Identifiers: ClinVar variation 3685370 (VCV003685370.3).

ClinVar aggregate classification (germline): Uncertain significance. Review status: criteria provided, multiple submitters, no conflicts (2 of 4 stars). 2 submissions from 2 submitters: Uncertain significance (2). Last evaluated 2025-01-02.

Conditions:
Developmental and epileptic encephalopathy, 32 (DEE32). Also called: Epileptic encephalopathy, early infantile, 32. Identifiers: Orphanet 442835, MedGen C4225350, MONDO:0014607, OMIM 616366.

gnomAD v4.1: 3 of 1,613,986 alleles (0.00019%); highest among the groups gnomAD compares: Non-Finnish European, 0.00025%; no homozygotes.

Submissions (2):

Labcorp Genetics (formerly Invitae), Labcorp
Classification: Uncertain significance for Developmental and epileptic encephalopathy, 32. Last evaluated: 2025-01-02. Review status: criteria provided, single submitter. Criteria: Invitae Variant Classification Sherloc (09022015). Collection method: clinical testing. Allele origin: germline.
Comment: This sequence change replaces serine, which is neutral and polar, with arginine, which is basic and polar, at codon 434 of the KCNA2 protein (p.Ser434Arg). This variant is not present in population databases (gnomAD no frequency). This variant has not been reported in the literature in individuals affected with KCNA2-related conditions. Invitae Evidence Modeling of protein sequence and biophysical properties (such as structural, functional, and spatial information, amino acid conservation, physicochemical variation, residue mobility, and thermodynamic stability) indicates that this missense variant is not expected to disrupt KCNA2 protein function with a negative predictive value of 95%. In summary, the available evidence is currently insufficient to determine the role of this variant in disease. Therefore, it has been classified as a Variant of Uncertain Significance.

Blueprint Genetics
Classification: Uncertain significance. Last evaluated: 2020-08-21. Review status: criteria provided, single submitter. Criteria: ACMG Guidelines, 2015. Collection method: clinical testing. Allele origin: germline.